The following is an entry in ClinVar:

NM_012082.4(ZFPM2):c.2017C>T (p.Pro673Ser)

Genes: ZFPM2 (zinc finger protein, FOG family member 2; plus strand), ZFPM2-AS1 (ZFPM2 antisense RNA 1; minus strand). Cytogenetic location: 8q23.1.
Variant type: single nucleotide variant.
Coding change: c.2017C>T on transcript NM_012082.4 (MANE Select); coding-DNA position 2017, C replaced by T.
Protein change: p.Pro673Ser; replaces proline 673 with serine.
Molecular consequence: missense variant.
Genome position (GRCh38, 1-based): chr8:105,802,099, C>T. VCF-style: chr8-105802099-C-T. GRCh37 (hg19) VCF-style: chr8-106814327-C-T.
Other names: c.1858C>T, p.Pro620Ser (NM_001362836.2); c.1621C>T, p.Pro541Ser (NM_001362837.2); short protein forms P541S, P620S, P673S.
Identifiers: ClinVar variation 4686928 (VCV004686928.1).

ClinVar aggregate classification (germline): Uncertain significance (1 of 4 stars; one submission).

Submission:

GeneDx
Classification: Uncertain significance. Last evaluated: 2025-07-22. Review status: criteria provided, single submitter. Criteria: GeneDx Variant Classification Process June 2021. Collection method: clinical testing. Allele origin: germline. Affected: yes.
Comment: Not observed at significant frequency in large population cohorts (gnomAD); In silico analysis supports that this missense variant has a deleterious effect on protein structure/function; Has not been previously published as pathogenic or benign to our knowledge